The following is an entry in ClinVar:

ClinVar aggregate classification (germline): Uncertain significance. Review status: criteria provided, multiple submitters, no conflicts (2 of 4 stars). 2 submissions from 2 submitters: Uncertain significance (2). Last evaluated 2025-11-18.

Conditions:
Hereditary cancer-predisposing syndrome. Also called: Hereditary Cancer Syndrome; Hereditary neoplastic syndrome; Neoplastic Syndromes, Hereditary; Tumor predisposition. Identifiers: Orphanet 140162, MedGen C0027672, MeSH D009386, MONDO:0015356.
Bloom syndrome (BLM). Also called: Bloom-Torre-Machacek syndrome. Identifiers: Orphanet 125, MedGen C0005859, MONDO:0008876, OMIM 210900.

Allele frequency attached by ClinVar (database versions not stated): TOPMed below 0.00001; gnomAD exomes 0.00001.
gnomAD v4.1: 8 of 1,614,144 alleles (0.0005%); highest among the groups gnomAD compares: Non-Finnish European, 0.00068%; no homozygotes.

Submissions (2):

Labcorp Genetics (formerly Invitae), Labcorp
Classification: Uncertain significance for Bloom syndrome. Last evaluated: 2025-11-18. Review status: criteria provided, single submitter. Criteria: Invitae Variant Classification Sherloc (09022015). Collection method: clinical testing. Allele origin: germline.
Comment: This sequence change replaces proline, which is neutral and non-polar, with arginine, which is basic and polar, at codon 242 of the BLM protein (p.Pro242Arg). This variant is present in population databases (no rsID available, gnomAD 0.002%). This variant has not been reported in the literature in individuals affected with BLM-related conditions. ClinVar contains an entry for this variant (Variation ID: 405298). An algorithm developed to predict the effect of missense changes on protein structure and function (PolyPhen-2) suggests that this variant is likely to be tolerated. In summary, the available evidence is currently insufficient to determine the role of this variant in disease. Therefore, it has been classified as a Variant of Uncertain Significance.

Ambry Genetics
Classification: Uncertain significance for Hereditary cancer-predisposing syndrome. Last evaluated: 2024-12-16. Review status: criteria provided, single submitter. Criteria: Ambry Variant Classification Scheme 2023. Collection method: clinical testing. Allele origin: germline.
Comment: The p.P242R variant (also known as c.725C>G), located in coding exon 2 of the BLM gene, results from a C to G substitution at nucleotide position 725. The proline at codon 242 is replaced by arginine, an amino acid with dissimilar properties. This amino acid position is not well conserved in available vertebrate species. In addition, this alteration is predicted to be tolerated by in silico analysis. Since supporting evidence is limited at this time, the clinical significance of this alteration remains unclear.

NM_000057.4(BLM):c.725C>G (p.Pro242Arg)

Gene: BLM (BLM RecQ like helicase; plus strand). Cytogenetic location: 15q26.1.
Variant type: single nucleotide variant.
Coding change: c.725C>G on transcript NM_000057.4 (MANE Select); coding-DNA position 725, C replaced by G.
Protein change: p.Pro242Arg; replaces proline 242 with arginine.
Molecular consequence: missense variant. On other transcripts: 5 prime UTR variant (1).
Genome position (GRCh38, 1-based): chr15:90,749,993, C>G. VCF-style: chr15-90749993-C-G. GRCh37 (hg19) VCF-style: chr15-91293223-C-G.
Other names: c.725C>G, p.Pro242Arg (NM_001287246.2, NM_001287247.2); c.-567C>G (NM_001287248.2); short protein forms P242R.
Identifiers: ClinVar variation 405298 (VCV000405298.11), dbSNP rs1060500642, ClinGen allele CA16614778.